The following is an entry in ClinVar:

NM_015331.3(NCSTN):c.1041G>A (p.Met347Ile)

Gene: NCSTN (nicastrin; plus strand). Cytogenetic location: 1q23.2.
Variant type: single nucleotide variant.
Coding change: c.1041G>A on transcript NM_015331.3 (MANE Select); coding-DNA position 1041, G replaced by A.
Protein change: p.Met347Ile; replaces methionine 347 with isoleucine.
Molecular consequence: missense variant.
Genome position (GRCh38, 1-based): chr1:160,352,931, G>A. VCF-style: chr1-160352931-G-A. GRCh37 (hg19) VCF-style: chr1-160322721-G-A.
Other names: c.981G>A, p.Met327Ile (NM_001290184.2); c.627G>A, p.Met209Ile (NM_001290186.2); c.1041G>A, p.Met347Ile (NM_001349729.2); short protein forms M327I, M347I, M209I.
Identifiers: ClinVar variation 3680490 (VCV003680490.2).
Genomic context (GRCh38, chr1:160,352,931, plus strand): 5'-TACCTCCATCTCTCAGGAAACTTTTGACTACATTGGCAGCTCGAGGATGGTCTACGATAT[G>A]GAGAAGGGCAAGTTTCCCGTGCAGTTAGAGAATGTTGACTCATTTGTGGAGCTGGGACAG-3'
Protein context (NP_056146.1, residues 337-357): YIGSSRMVYD[Met347Ile]EKGKFPVQLE

ClinVar aggregate classification (germline): Uncertain significance (1 of 4 stars; one submission).

gnomAD v4.1: 5 of 1,614,168 alleles (0.00031%); highest among the groups gnomAD compares: South Asian, 0.0044%; no homozygotes.

Submission:

Labcorp Genetics (formerly Invitae), Labcorp
Classification: Uncertain significance. Last evaluated: 2024-08-20. Review status: criteria provided, single submitter. Criteria: Invitae Variant Classification Sherloc (09022015). Collection method: clinical testing. Allele origin: germline.
Comment: This sequence change replaces methionine, which is neutral and non-polar, with isoleucine, which is neutral and non-polar, at codon 347 of the NCSTN protein (p.Met347Ile). This variant is present in population databases (no rsID available, gnomAD 0.006%). This variant has not been reported in the literature in individuals affected with NCSTN-related conditions. Invitae Evidence Modeling of protein sequence and biophysical properties (such as structural, functional, and spatial information, amino acid conservation, physicochemical variation, residue mobility, and thermodynamic stability) indicates that this missense variant is not expected to disrupt NCSTN protein function with a negative predictive value of 80%. In summary, the available evidence is currently insufficient to determine the role of this variant in disease. Therefore, it has been classified as a Variant of Uncertain Significance.